The following is an entry in ClinVar:

NM_031220.4(PITPNM3):c.2620-17_2620-16insCTGCCCTGCCCTGCCCTGCA

Gene: PITPNM3 (PITPNM family member 3; minus strand). Cytogenetic location: 17p13.2.
Variant type: Insertion.
Coding change: c.2620-17_2620-16insCTGCCCTGCCCTGCCCTGCA on transcript NM_031220.4 (MANE Select); 17 bases into the intron before coding-DNA position 2620 through 16 bases into the intron before coding-DNA position 2620, CTGCCCTGCCCTGCCCTGCA inserted.
Molecular consequence: intron variant.
Genome position: GRCh38 VCF-style: chr17-6455659-G-GAGTGCAGGGCAGGGCAGGGC. GRCh37 (hg19) VCF-style: chr17-6358979-G-GAGTGCAGGGCAGGGCAGGGC.
Other names: c.2512-17_2512-16insCTGCCCTGCCCTGCCCTGCA (NM_001165966.2).
Identifiers: ClinVar variation 3649335 (VCV003649335.2).

ClinVar aggregate classification (germline): Uncertain significance (1 of 4 stars; one submission).

Submission:

Labcorp Genetics (formerly Invitae), Labcorp
Classification: Uncertain significance. Last evaluated: 2024-11-02. Review status: criteria provided, single submitter. Criteria: Invitae Variant Classification Sherloc (09022015). Collection method: clinical testing. Allele origin: germline.
Comment: This sequence change falls in intron 19 of the PITPNM3 gene. It does not directly change the encoded amino acid sequence of the PITPNM3 protein. This variant is not present in population databases (gnomAD no frequency). This variant has not been reported in the literature in individuals affected with PITPNM3-related conditions. Experimental studies and prediction algorithms are not available or were not evaluated, and the effect of this variant on mRNA splicing is currently unknown. In summary, the available evidence is currently insufficient to determine the role of this variant in disease. Therefore, it has been classified as a Variant of Uncertain Significance.